The following is an entry in ClinVar:

ClinVar aggregate classification (germline): Pathogenic (1 of 4 stars; one submission).

Conditions:
Peroxisome biogenesis disorder 3A (Zellweger). Also called: PEROXISOMAL BIOGENESIS DISORDER 3A (ZELLWEGER); Peroxisome biogenesis disorder 3A. Identifiers: Orphanet 912, MedGen C3553929, MONDO:0013927, OMIM 614859.

Submission:

Labcorp Genetics (formerly Invitae), Labcorp
Classification: Pathogenic for Peroxisome biogenesis disorder 3A (Zellweger). Last evaluated: 2021-09-16. Review status: criteria provided, single submitter. Criteria: Invitae Variant Classification Sherloc (09022015). Collection method: clinical testing. Allele origin: germline.
Comment: This sequence change creates a premature translational stop signal (p.Ala158Leufs*9) in the PEX12 gene. It is expected to result in an absent or disrupted protein product. Loss-of-function variants in PEX12 are known to be pathogenic (PMID: 9090384, 9632816, 21031596). For these reasons, this variant has been classified as Pathogenic. Algorithms developed to predict the effect of sequence changes on RNA splicing suggest that this variant may create or strengthen a splice site. This variant has not been reported in the literature in individuals affected with PEX12-related conditions. This variant is not present in population databases (ExAC no frequency).

Literature cited by the submitters: PubMed 9090384; PubMed 9632816; PubMed 21031596.

NM_000286.3(PEX12):c.471del (p.Ala158fs)

Gene: PEX12 (peroxisomal biogenesis factor 12; minus strand). Cytogenetic location: 17q12.
Variant type: Deletion.
Coding change: c.471del on transcript NM_000286.3 (MANE Select); coding-DNA position 471, one base deleted (A; older notation c.471delA).
Protein change: p.Ala158fs; shifts the reading frame from alanine 158.
Molecular consequence: frameshift variant.
Genome position (GRCh38, 1-based): chr17:35,577,247, T deleted on the plus strand (A on the coding strand, the reverse complement: PEX12 is on the minus strand). VCF-style (leftmost placement, unchanged base first): chr17-35577246-CT-C. GRCh37 (hg19) VCF-style: chr17-33904265-CT-C.
Other names: short protein forms A158fs.
Identifiers: ClinVar variation 1435818 (VCV001435818.6), dbSNP rs2142230667, ClinGen allele CA2573153722.